The following is an entry in ClinVar:

NM_003072.5(SMARCA4):c.2413C>T (p.Pro805Ser)

Gene: SMARCA4 (SWI/SNF related BAF chromatin remodeling complex subunit ATPase 4; plus strand). Cytogenetic location: 19p13.2.
Variant type: single nucleotide variant.
Coding change: c.2413C>T on transcript NM_003072.5 (MANE Select); coding-DNA position 2413, C replaced by T.
Protein change: p.Pro805Ser; replaces proline 805 with serine.
Molecular consequence: missense variant. On other transcripts: non-coding transcript variant (1).
Genome position (GRCh38, 1-based): chr19:11,013,087, C>T. VCF-style: chr19-11013087-C-T. GRCh37 (hg19) VCF-style: chr19-11123763-C-T.
Other names: c.2413C>T, p.Pro805Ser (NM_001128844.3, NM_001128845.2, NM_001128846.2 and 6 more transcripts); short protein forms P805S.
Identifiers: ClinVar variation 3445973 (VCV003445973.1).
Genomic context (GRCh38, chr19:11,013,087, plus strand): 5'-AAGACCATCCAGACCATCGCGCTCATCACGTACCTCATGGAGCACAAACGCATCAATGGG[C>T]CCTTCCTCATCATCGTGCCTCTCTCGTGAGTACCCGCTGCCAGCAACATCCCACACGCCG-3'
Protein context (NP_003063.2, residues 795-815): YLMEHKRING[Pro805Ser]FLIIVPLSTL

ClinVar aggregate classification (germline): Uncertain significance (1 of 4 stars; one submission).

Conditions:
Hereditary cancer-predisposing syndrome. Also called: Tumor predisposition; Neoplastic Syndromes, Hereditary; Hereditary neoplastic syndrome; Hereditary Cancer Syndrome. Identifiers: Orphanet 140162, MedGen C0027672, MeSH D009386, MONDO:0015356.

Submission:

Ambry Genetics
Classification: Uncertain significance for Hereditary cancer-predisposing syndrome. Last evaluated: 2024-07-14. Review status: criteria provided, single submitter. Criteria: Ambry Variant Classification Scheme 2023. Collection method: clinical testing. Allele origin: germline.
Comment: The p.P805S variant (also known as c.2413C>T), located in coding exon 15 of the SMARCA4 gene, results from a C to T substitution at nucleotide position 2413. The proline at codon 805 is replaced by serine, an amino acid with similar properties. This amino acid position is conserved. In addition, this alteration is predicted to be deleterious by in silico analysis. Based on the available evidence, the clinical significance of this variant remains unclear.